The following is an entry in ClinVar:

ClinVar aggregate classification (germline): Uncertain significance (1 of 4 stars; one submission).

Conditions:
Inflammatory skin and bowel disease, neonatal, 1. Identifiers: Orphanet 294023, MedGen C3280501, MONDO:0013693, OMIM 614328.

Allele frequency attached by ClinVar (database versions not stated): gnomAD exomes below 0.00001.
gnomAD v4.1: 1 of 1,613,880 alleles (0.000062%); highest among the groups gnomAD compares: Non-Finnish European, 0.000085%; no homozygotes.

Submission:

Labcorp Genetics (formerly Invitae), Labcorp
Classification: Uncertain significance for Inflammatory skin and bowel disease, neonatal, 1. Last evaluated: 2020-12-08. Review status: criteria provided, single submitter. Criteria: Invitae Variant Classification Sherloc (09022015). Collection method: clinical testing. Allele origin: germline.
Comment: This sequence change replaces serine with phenylalanine at codon 546 of the ADAM17 protein (p.Ser546Phe). The serine residue is moderately conserved and there is a large physicochemical difference between serine and phenylalanine. This variant is not present in population databases (ExAC no frequency). This variant has not been reported in the literature in individuals with ADAM17-related conditions. Algorithms developed to predict the effect of missense changes on protein structure and function are either unavailable or do not agree on the potential impact of this missense change (SIFT: "Not Available"; PolyPhen-2: "Probably Damaging"; Align-GVGD: "Not Available"). In summary, the available evidence is currently insufficient to determine the role of this variant in disease. Therefore, it has been classified as a Variant of Uncertain Significance.

NM_003183.6(ADAM17):c.1637C>T (p.Ser546Phe)

Genes: ADAM17 (ADAM metallopeptidase domain 17; minus strand), IAH1 (isoamyl acetate hydrolyzing esterase 1 (putative); plus strand). Cytogenetic location: 2p25.1.
Variant type: single nucleotide variant.
Coding change: c.1637C>T on transcript NM_003183.6 (MANE Select); coding-DNA position 1637, C replaced by T.
Protein change: p.Ser546Phe; replaces serine 546 with phenylalanine.
Molecular consequence: missense variant.
Genome position (GRCh38, 1-based): chr2:9,502,184, G>A on the plus strand (C>T on the coding strand, the complement: ADAM17 is on the minus strand). VCF-style: chr2-9502184-G-A. GRCh37 (hg19) VCF-style: chr2-9642313-G-A.
Other names: c.977C>T, p.Ser326Phe (NM_001382777.1); c.740C>T, p.Ser247Phe (NM_001382778.1); short protein forms S247F, S546F, S326F.
Identifiers: ClinVar variation 1428570 (VCV001428570.6), dbSNP rs2124990793, ClinGen allele CA345776464.